The following is an entry in ClinVar:

NM_001080449.3(DNA2):c.-21T>G

Gene: DNA2 (DNA replication helicase/nuclease 2; minus strand). Cytogenetic location: 10q21.3.
Variant type: single nucleotide variant.
Coding change: c.-21T>G on transcript NM_001080449.3 (MANE Select); 21 bases upstream of the start codon, T replaced by G.
Molecular consequence: 5 prime UTR variant. On other transcripts: non-coding transcript variant (1).
Genome position (GRCh38, 1-based): chr10:68,471,885, A>C on the plus strand (T>G on the coding strand, the complement: DNA2 is on the minus strand). VCF-style: chr10-68471885-A-C. GRCh37 (hg19) VCF-style: chr10-70231642-A-C.
Identifiers: ClinVar variation 509664 (VCV000509664.1), dbSNP rs375303446, ClinGen allele CA5525419.

ClinVar aggregate classification (germline): Likely benign (1 of 4 stars; one submission).

Allele frequency attached by ClinVar (database versions not stated): ExAC 0.00002; gnomAD exomes 0.00002 and 0.00003; gnomAD 0.00006 and 0.00007; TOPMed 0.00006; ESP Exome Variant Server 0.00008.
gnomAD v4.1: 37 of 1,613,922 alleles (0.0023%); highest among the groups gnomAD compares: Middle Eastern, 0.049%; no homozygotes.

Submission:

GeneDx
Classification: Likely benign. Last evaluated: 2017-06-01. Review status: criteria provided, single submitter. Criteria: GeneDx Variant Classification (06012015). Collection method: clinical testing. Allele origin: germline. Affected: yes.
Comment: This variant is considered likely benign or benign based on one or more of the following criteria: it is a conservative change, it occurs at a poorly conserved position in the protein, it is predicted to be benign by multiple in silico algorithms, and/or has population frequency not consistent with disease.